The following is an entry in ClinVar:

NM_001849.4(COL6A2):c.356T>C (p.Ile119Thr)

Gene: COL6A2 (collagen type VI alpha 2 chain; plus strand). Cytogenetic location: 21q22.3.
Variant type: single nucleotide variant.
Coding change: c.356T>C on transcript NM_001849.4 (MANE Select); coding-DNA position 356, T replaced by C.
Protein change: p.Ile119Thr; replaces isoleucine 119 with threonine.
Molecular consequence: missense variant.
Genome position (GRCh38, 1-based): chr21:46,112,219, T>C. VCF-style: chr21-46112219-T-C. GRCh37 (hg19) VCF-style: chr21-47532133-T-C.
Other names: c.356T>C, p.Ile119Thr (NM_058174.3, NM_058175.3); short protein forms I119T.
Identifiers: ClinVar variation 842850 (VCV000842850.37), dbSNP rs374011338, ClinGen allele CA10071274.

ClinVar aggregate classification (germline): Conflicting classifications of pathogenicity. Review status: criteria provided, conflicting classifications (1 of 4 stars). 6 submissions from 6 submitters: Uncertain significance (3); Benign (1); Likely benign (2). Last evaluated 2025-10-22.

Conditions:
Inborn genetic diseases. Identifiers: MedGen C0950123, MeSH D030342.
Bethlem myopathy 1A. Also called: Bethlem myopathy 1; MYOPATHY, BENIGN CONGENITAL, WITH CONTRACTURES; Bethlem Muscular Dystrophy. Identifiers: Orphanet 610, MedGen CN029274, MONDO:0024530, OMIM 158810.

Allele frequency attached by ClinVar (database versions not stated): ExAC 0.00006; gnomAD 0.00006 and 0.00007; gnomAD exomes 0.00007 and 0.00008; TOPMed 0.00008; ESP Exome Variant Server 0.00015.
gnomAD v4.1: 126 of 1,612,714 alleles (0.0078%); highest among the groups gnomAD compares: South Asian, 0.054%; no homozygotes.

Submissions (6):

Labcorp Genetics (formerly Invitae), Labcorp
Classification: Benign for Bethlem myopathy 1A. Last evaluated: 2025-10-22. Review status: criteria provided, single submitter. Criteria: Invitae Variant Classification Sherloc (09022015). Collection method: clinical testing. Allele origin: germline.

Blueprint Genetics
Classification: Uncertain significance. Last evaluated: 2024-07-05. Review status: criteria provided, single submitter. Criteria: ACMG Guidelines, 2015. Collection method: clinical testing. Allele origin: germline.

GeneDx
Classification: Uncertain significance. Last evaluated: 2024-04-08. Review status: criteria provided, single submitter. Criteria: GeneDx Variant Classification Process June 2021. Collection method: clinical testing. Allele origin: germline. Affected: yes.
Comment: In silico analysis indicates that this missense variant does not alter protein structure/function; Has not been previously published as pathogenic or benign to our knowledge

Revvity Omics, Revvity
Classification: Uncertain significance. Last evaluated: 2023-06-30. Review status: criteria provided, single submitter. Criteria: ACMG Guidelines, 2015. Collection method: clinical testing. Allele origin: germline.

CeGaT Center for Human Genetics Tuebingen
Classification: Likely benign. Last evaluated: 2023-03-01. Review status: criteria provided, single submitter. Criteria: CeGaT Center For Human Genetics Tuebingen Variant Classification Criteria Version 2. Collection method: clinical testing. Allele origin: germline. Affected: yes. Observed: 1 variant allele.
Comment: COL6A2: BP4

Ambry Genetics
Classification: Likely benign for Inborn genetic diseases. Last evaluated: 2022-10-26. Review status: criteria provided, single submitter. Criteria: Ambry Variant Classification Scheme 2023. Collection method: clinical testing. Allele origin: germline.